The following is an entry in ClinVar:

ClinVar aggregate classification (germline): Uncertain significance (1 of 4 stars; one submission).

Conditions:
Hereditary cancer-predisposing syndrome. Also called: Neoplastic Syndromes, Hereditary; Tumor predisposition; Hereditary Cancer Syndrome; Hereditary neoplastic syndrome. Identifiers: Orphanet 140162, MedGen C0027672, MeSH D009386, MONDO:0015356.

Submission:

Ambry Genetics
Classification: Uncertain significance for Hereditary cancer-predisposing syndrome. Last evaluated: 2023-10-17. Review status: criteria provided, single submitter. Criteria: Ambry Variant Classification Scheme 2023. Collection method: clinical testing. Allele origin: germline.
Comment: The p.I679T variant (also known as c.2036T>C), located in coding exon 11 of the DICER1 gene, results from a T to C substitution at nucleotide position 2036. The isoleucine at codon 679 is replaced by threonine, an amino acid with similar properties. This amino acid position is well conserved in available vertebrate species. In addition, this alteration is predicted to be deleterious by in silico analysis. Since supporting evidence is limited at this time, the clinical significance of this alteration remains unclear.

NM_177438.3(DICER1):c.2036T>C (p.Ile679Thr)

Gene: DICER1 (dicer 1, ribonuclease III; minus strand). Cytogenetic location: 14q32.13.
Variant type: single nucleotide variant.
Coding change: c.2036T>C on transcript NM_177438.3 (MANE Select); coding-DNA position 2036, T replaced by C.
Protein change: p.Ile679Thr; replaces isoleucine 679 with threonine.
Molecular consequence: missense variant.
Genome position (GRCh38, 1-based): chr14:95,113,096, A>G on the plus strand (T>C on the coding strand, the complement: DICER1 is on the minus strand). VCF-style: chr14-95113096-A-G. GRCh37 (hg19) VCF-style: chr14-95579433-A-G.
Other names: c.2036T>C, p.Ile679Thr (NM_001195573.1, NM_001271282.3, NM_001291628.2 and 1 more transcripts); short protein forms I679T.
Identifiers: ClinVar variation 820533 (VCV000820533.4), dbSNP rs1595396426, ClinGen allele CA390883164.